The following is an entry in ClinVar:

ClinVar aggregate classification (germline): Conflicting classifications of pathogenicity. Review status: criteria provided, conflicting classifications (1 of 4 stars). 3 submissions from 3 submitters: Uncertain significance (2); Likely benign (1). Last evaluated 2023-10-26.

Conditions:
Inborn genetic diseases. Identifiers: MedGen C0950123, MeSH D030342.

Allele frequency attached by ClinVar (database versions not stated): ExAC 0.00002; gnomAD exomes 0.00004; gnomAD 0.00008 and 0.00009; TOPMed 0.00009.
gnomAD v4.1: 179 of 1,614,022 alleles (0.011%); highest among the groups gnomAD compares: Non-Finnish European, 0.014%; no homozygotes.

Submissions (3):

Blueprint Genetics
Classification: Likely benign. Last evaluated: 2023-10-26. Review status: criteria provided, single submitter. Criteria: ACMG Guidelines, 2015. Collection method: clinical testing. Allele origin: germline.

Ambry Genetics
Classification: Uncertain significance for Inborn genetic diseases. Last evaluated: 2022-06-09. Review status: criteria provided, single submitter. Criteria: Ambry Variant Classification Scheme 2023. Collection method: clinical testing. Allele origin: germline.

GeneDx
Classification: Uncertain significance. Last evaluated: 2019-12-09. Review status: criteria provided, single submitter. Criteria: GeneDx Variant Classification Process June 2021. Collection method: clinical testing. Allele origin: germline. Affected: yes.
Comment: In silico analysis, which includes protein predictors and evolutionary conservation, supports that this variant does not alter protein structure/function; Has not been previously published as pathogenic or benign to our knowledge

NM_004817.4(TJP2):c.1597A>T (p.Ile533Leu)

Gene: TJP2 (tight junction protein 2; plus strand). Cytogenetic location: 9q21.11.
Variant type: single nucleotide variant.
Coding change: c.1597A>T on transcript NM_004817.4 (MANE Select); coding-DNA position 1597, A replaced by T.
Protein change: p.Ile533Leu; replaces isoleucine 533 with leucine.
Molecular consequence: missense variant.
Genome position (GRCh38, 1-based): chr9:69,230,158, A>T. VCF-style: chr9-69230158-A-T. GRCh37 (hg19) VCF-style: chr9-71845074-A-T.
Other names: c.1528A>T, p.Ile510Leu (NM_001170414.2, NM_001369871.1); c.1609A>T, p.Ile537Leu (NM_001170415.1, NM_001369874.1, NM_001369875.1); c.1690A>T, p.Ile564Leu (NM_001170416.2); c.1522A>T, p.Ile508Leu (NM_001369870.1); c.1597A>T, p.Ile533Leu (NM_001369872.1, NM_001369873.1, NM_201629.3); short protein forms I508L, I510L, I533L, I537L, I564L.
Identifiers: ClinVar variation 1310881 (VCV001310881.5), dbSNP rs770295068, ClinGen allele CA5073377.